The following is an entry in ClinVar:

ClinVar aggregate classification (germline): Pathogenic. Review status: criteria provided, multiple submitters, no conflicts (2 of 4 stars). 2 submissions from 2 submitters: Pathogenic (2). Last evaluated 2024-04-01.

Conditions:
Spongy degeneration of central nervous system. Also called: ACY2 DEFICIENCY; AMINOACYLASE 2 DEFICIENCY; ASP DEFICIENCY; ASPA DEFICIENCY; ASPARTOACYLASE DEFICIENCY; CANAVAN-VAN BOGAERT-BERTRAND DISEASE. Identifiers: Orphanet 141, MedGen C0206307, MONDO:0010079, OMIM 271900.

Submissions (2):

Natera, Inc.
Classification: Pathogenic for Canavan Disease. Last evaluated: 2024-04-01. Review status: criteria provided, single submitter. Criteria: Natera Variant Classification Schema (03/2026). Collection method: clinical testing. Allele origin: germline.
Comment: The c.34_46delCAAAAGGTTGCTA variant in ASPA is a frameshift variant predicted to shift the reading frame beginning at codon 12 and leads to a stop codon 10 codons downstream. This variant is expected to result in nonsense mediated decay, truncation, or a dysfunctional protein product. This variant is rare in the general population with a frequency below the threshold expected for the associated phenotype(s). This variant has been observed in one or more individuals affected with the associated recessive disease, as either homozygous or compound heterozygous with a second variant (PMID: 12638939). Given the available evidence, this variant is classified as Pathogenic.

Baylor Genetics
Classification: Pathogenic for Spongy degeneration of central nervous system. Last evaluated: 2023-06-11. Review status: criteria provided, single submitter. Criteria: ACMG Guidelines, 2015. Collection method: clinical testing. Allele origin: unknown.

Literature cited by the submitters: PubMed 12638939 (cited by Natera, Inc.).

NM_000049.4(ASPA):c.34_46del (p.Gln12fs)

Genes: ASPA (aspartoacylase; plus strand), SPATA22 (spermatogenesis associated 22; minus strand). Cytogenetic location: 17p13.2.
Variant type: Deletion.
Coding change: c.34_46del on transcript NM_000049.4 (MANE Select); coding-DNA positions 34 to 46, 13 bases deleted (CAAAAGGTTGCTA).
Protein change: p.Gln12fs; shifts the reading frame from glutamine 12.
Molecular consequence: frameshift variant. On other transcripts: intron variant (2).
Genome position (GRCh38, 1-based): chr17:3,476,193-3,476,205, CAAAAGGTTGCTA deleted; deleting any 13 consecutive bases within chr17:3,476,191-3,476,205 gives the same sequence; the c. name uses the placement nearest the transcript's 3' end. VCF-style (leftmost placement, unchanged base first): chr17-3476190-ATACAAAAGGTTGC-A. GRCh37 (hg19) VCF-style: chr17-3379484-ATACAAAAGGTTGC-A.
Other names: c.34_46del, p.Gln12fs (NM_001128085.1); c.-73-6805_-73-6793del (NM_001321336.2, NM_001321337.2); c.34_46delCAAAAGGTTGCTA (NM_000049.2); short protein forms Q12fs.
Identifiers: ClinVar variation 2678898 (VCV002678898.1), dbSNP rs2543606372, ClinGen allele CA2695201211.